The following is an entry in ClinVar:

ClinVar aggregate classification (germline): Uncertain significance (1 of 4 stars; one submission).

Allele frequency attached by ClinVar (database versions not stated): 1000 Genomes Project 30x 0.00031; 1000 Genomes Project 0.00040.

Submission:

Labcorp Genetics (formerly Invitae), Labcorp
Classification: Uncertain significance. Last evaluated: 2025-06-19. Review status: criteria provided, single submitter. Criteria: Invitae Variant Classification Sherloc (09022015). Collection method: clinical testing. Allele origin: germline.
Comment: This sequence change replaces alanine, which is neutral and non-polar, with threonine, which is neutral and polar, at codon 460 of the CBX2 protein (p.Ala460Thr). This variant is present in population databases (rs201439648, gnomAD 0.1%), and has an allele count higher than expected for a pathogenic variant. This variant has not been reported in the literature in individuals affected with CBX2-related conditions. ClinVar contains an entry for this variant (Variation ID: 1408006). Invitae Evidence Modeling of protein sequence and biophysical properties (such as structural, functional, and spatial information, amino acid conservation, physicochemical variation, residue mobility, and thermodynamic stability) indicates that this missense variant is not expected to disrupt CBX2 protein function with a negative predictive value of 80%. In summary, the available evidence is currently insufficient to determine the role of this variant in disease. Therefore, it has been classified as a Variant of Uncertain Significance.

NM_005189.3(CBX2):c.1378G>A (p.Ala460Thr)

Gene: CBX2 (chromobox 2; plus strand). Cytogenetic location: 17q25.3.
Variant type: single nucleotide variant.
Coding change: c.1378G>A on transcript NM_005189.3 (MANE Select); coding-DNA position 1378, G replaced by A.
Protein change: p.Ala460Thr; replaces alanine 460 with threonine.
Molecular consequence: missense variant.
Genome position (GRCh38, 1-based): chr17:79,784,821, G>A. VCF-style: chr17-79784821-G-A. GRCh37 (hg19) VCF-style: chr17-77758620-G-A.
Other names: short protein forms A460T.
Identifiers: ClinVar variation 1408006 (VCV001408006.6), dbSNP rs201439648, ClinGen allele CA8811493.
Genomic context (GRCh38, chr17:79,784,821, plus strand): 5'-CAGGAGAGCCGCACAGCCCCCGGAGAAGCCCGCAAGGCGGCCACACTGCCAGAGATGAGC[G>A]CAGGTGAGGAGAGTAGCAGCTCGGACTCCGACCCCGACTCCGCCTCGCCGCCCAGCACTG-3'
Protein context (NP_005180.1, residues 450-470): RKAATLPEMS[Ala460Thr]GEESSSSDSD